The following is an entry in ClinVar:

ClinVar aggregate classification (germline): Uncertain significance. Review status: criteria provided, multiple submitters, no conflicts (2 of 4 stars). 3 submissions from 3 submitters: Uncertain significance (3). Last evaluated 2024-10-25.

Conditions:
MAN2B1-related disorder. Also called: MAN2B1-related condition.
Deficiency of alpha-mannosidase (MANSA). Also called: Alpha-Mannosidosis; LYSOSOMAL ALPHA-D-MANNOSIDASE DEFICIENCY; Mannosidosis, alpha-, types I and II. Identifiers: Orphanet 61, MedGen C0024748, MONDO:0009561, OMIM 248500.

Allele frequency attached by ClinVar (database versions not stated): gnomAD 0.00001; gnomAD exomes 0.00001; TOPMed 0.00002.
gnomAD v4.1: 6 of 1,612,872 alleles (0.00037%); highest among the groups gnomAD compares: Admixed American, 0.01%; no homozygotes.

Submissions (3):

PreventionGenetics, part of Exact Sciences
Classification: Uncertain significance for MAN2B1-related condition. Last evaluated: 2024-10-25. Review status: criteria provided, single submitter. Criteria: ACMG Guidelines, 2015. Collection method: clinical testing. Allele origin: germline.
Comment: The MAN2B1 c.2306A>G variant is predicted to result in the amino acid substitution p.Glu769Gly. To our knowledge, this variant has not been reported in the literature. This variant is reported in 0.0087% of alleles in individuals of Latino descent in gnomAD. At this time, the clinical significance of this variant is uncertain due to the absence of conclusive functional and genetic evidence.

Labcorp Genetics (formerly Invitae), Labcorp
Classification: Uncertain significance for Deficiency of alpha-mannosidase. Last evaluated: 2022-06-27. Review status: criteria provided, single submitter. Criteria: Invitae Variant Classification Sherloc (09022015). Collection method: clinical testing. Allele origin: germline.
Comment: This sequence change replaces glutamic acid, which is acidic and polar, with glycine, which is neutral and non-polar, at codon 769 of the MAN2B1 protein (p.Glu769Gly). This variant is present in population databases (no rsID available, gnomAD 0.01%). This variant has not been reported in the literature in individuals affected with MAN2B1-related conditions. Algorithms developed to predict the effect of missense changes on protein structure and function are either unavailable or do not agree on the potential impact of this missense change (SIFT: "Deleterious"; PolyPhen-2: "Probably Damaging"; Align-GVGD: "Class C0"). In summary, the available evidence is currently insufficient to determine the role of this variant in disease. Therefore, it has been classified as a Variant of Uncertain Significance.

Mayo Clinic Laboratories, Mayo Clinic
Classification: Uncertain significance. Last evaluated: 2022-02-24. Review status: criteria provided, single submitter. Criteria: ACMG Guidelines, 2015. Collection method: clinical testing. Allele origin: germline. Observed: 1 variant allele.
Comment: PM2

NM_000528.4(MAN2B1):c.2306A>G (p.Glu769Gly)

Gene: MAN2B1 (mannosidase alpha class 2B member 1; minus strand). Cytogenetic location: 19p13.13.
Variant type: single nucleotide variant.
Coding change: c.2306A>G on transcript NM_000528.4 (MANE Select); coding-DNA position 2306, A replaced by G.
Protein change: p.Glu769Gly; replaces glutamic acid 769 with glycine.
Molecular consequence: missense variant.
Genome position (GRCh38, 1-based): chr19:12,649,390, T>C on the plus strand (A>G on the coding strand, the complement: MAN2B1 is on the minus strand). VCF-style: chr19-12649390-T-C. GRCh37 (hg19) VCF-style: chr19-12760204-T-C.
Other names: p.Glu769Gly; c.2303A>G, p.Glu768Gly (NM_001173498.2); c.2306A>G (NM_000528.3); short protein forms E768G, E769G.
Identifiers: ClinVar variation 2145833 (VCV002145833.3), dbSNP rs1026952158, ClinGen allele CA305462012.